The following is an entry in ClinVar:

ClinVar aggregate classification (germline): Uncertain significance (1 of 4 stars; one submission).

Submission:

GeneDx
Classification: Uncertain significance. Last evaluated: 2024-12-14. Review status: criteria provided, single submitter. Criteria: GeneDx Variant Classification Process June 2021. Collection method: clinical testing. Allele origin: germline. Affected: yes.
Comment: Not observed at significant frequency in large population cohorts (gnomAD); In silico analysis supports that this missense variant has a deleterious effect on protein structure/function; Has not been previously published as pathogenic or benign to our knowledge

NM_020987.5(ANK3):c.686A>T (p.Asp229Val)

Gene: ANK3 (ankyrin 3; minus strand). Cytogenetic location: 10q21.2.
Variant type: single nucleotide variant.
Coding change: c.686A>T on transcript NM_020987.5 (MANE Select); coding-DNA position 686, A replaced by T.
Protein change: p.Asp229Val; replaces aspartic acid 229 with valine.
Molecular consequence: missense variant.
Genome position (GRCh38, 1-based): chr10:60,263,848, T>A on the plus strand (A>T on the coding strand, the complement: ANK3 is on the minus strand). VCF-style: chr10-60263848-T-A. GRCh37 (hg19) VCF-style: chr10-62023606-T-A.
Other names: c.668A>T, p.Asp223Val (NM_001204403.2); c.635A>T, p.Asp212Val (NM_001204404.2); c.686A>T, p.Asp229Val (NM_001320874.2); short protein forms D212V, D223V, D229V.
Identifiers: ClinVar variation 3903034 (VCV003903034.1).